The following is an entry in ClinVar:

ClinVar aggregate classification (germline): Conflicting classifications of pathogenicity. Review status: criteria provided, conflicting classifications (1 of 4 stars). 8 submissions from 8 submitters: Uncertain significance (6); Likely benign (1). 1 of the submissions does not count toward it. Last evaluated 2025-09-27.

Conditions:
Hereditary cancer-predisposing syndrome. Also called: Hereditary Cancer Syndrome; Neoplastic Syndromes, Hereditary; Tumor predisposition; Hereditary neoplastic syndrome. Identifiers: Orphanet 140162, MedGen C0027672, MeSH D009386, MONDO:0015356.
Fanconi anemia complementation group N. Also called: PALB2-Related Fanconi Anemia. Identifiers: Orphanet 84, MedGen C1835817, MONDO:0012565, OMIM 610832. Disease mechanism: loss of function.
Pancreatic cancer, susceptibility to, 3. Identifiers: Orphanet 1333, MedGen C3150547, MONDO:0013236, OMIM 613348.
Familial cancer of breast. Also called: Hereditary breast cancer; hereditary breast carcinoma; BREAST CANCER, FAMILIAL. Identifiers: Orphanet 227535, MedGen C0346153, MONDO:0016419, OMIM 114480. Disease mechanism: loss of function.

Allele frequency attached by ClinVar (database versions not stated): TOPMed below 0.00001; gnomAD 0.00001; gnomAD exomes 0.00001.
gnomAD v4.1: 6 of 1,614,068 alleles (0.00037%); highest among the groups gnomAD compares: Non-Finnish European, 0.00051%; no homozygotes.

Submissions (8):

Labcorp Genetics (formerly Invitae), Labcorp
Classification: Uncertain significance for Familial cancer of breast. Last evaluated: 2025-09-27. Review status: criteria provided, single submitter. Criteria: Invitae Variant Classification Sherloc (09022015). Collection method: clinical testing. Allele origin: germline.
Comment: This sequence change replaces aspartic acid, which is acidic and polar, with glycine, which is neutral and non-polar, at codon 360 of the PALB2 protein (p.Asp360Gly). This variant is present in population databases (no rsID available, gnomAD 0.0009%). This variant has not been reported in the literature in individuals affected with PALB2-related conditions. ClinVar contains an entry for this variant (Variation ID: 232415). Invitae Evidence Modeling of protein sequence and biophysical properties (such as structural, functional, and spatial information, amino acid conservation, physicochemical variation, residue mobility, and thermodynamic stability) indicates that this missense variant is not expected to disrupt PALB2 protein function with a negative predictive value of 80%. In summary, the available evidence is currently insufficient to determine the role of this variant in disease. Therefore, it has been classified as a Variant of Uncertain Significance.

Myriad Genetics, Inc.
Classification: Uncertain significance for Familial cancer of breast. Last evaluated: 2023-03-30. Review status: criteria provided, single submitter. Criteria: Myriad Autosomal Dominant, Autosomal Recessive and X-Linked Classification Criteria (2023). Collection method: clinical testing. Allele origin: unknown.
Comment: This variant is classified as a variant of uncertain significance as there is insufficient evidence to determine its impact on protein function and/or cancer risk.

Ambry Genetics
Classification: Likely benign for Hereditary cancer-predisposing syndrome. Last evaluated: 2023-01-25. Review status: criteria provided, single submitter. Criteria: Ambry Variant Classification Scheme 2023. Collection method: clinical testing. Allele origin: germline.

GeneDx
Classification: Uncertain significance. Last evaluated: 2022-01-04. Review status: criteria provided, single submitter. Criteria: GeneDx Variant Classification Process June 2021. Collection method: clinical testing. Allele origin: germline. Affected: yes.
Comment: Not observed at significant frequency in large population cohorts (gnomAD); In silico analysis supports that this missense variant does not alter protein structure/function; Observed in breast cancer cases (Decker 2017); This variant is associated with the following publications: (PMID: 28779002)

Fulgent Genetics
Classification: Uncertain significance for Familial cancer of breast; Fanconi anemia complementation group N; Pancreatic cancer, susceptibility to, 3. Last evaluated: 2021-12-30. Review status: criteria provided, single submitter. Criteria: ACMG Guidelines, 2015. Collection method: clinical testing. Allele origin: unknown.

Color Diagnostics, LLC DBA Color Health
Classification: Uncertain significance for Hereditary cancer-predisposing syndrome. Last evaluated: 2021-04-22. Review status: criteria provided, single submitter. Criteria: ACMG Guidelines, 2015. Collection method: clinical testing. Allele origin: germline.
Comment: This missense variant replaces aspartic acid with glycine at codon 360 of the PALB2 protein. Computational prediction suggests that this variant may not impact protein structure and function (internally defined REVEL score threshold <= 0.5, PMID: 27666373). To our knowledge, functional studies have not been reported for this variant. This variant has not been reported in individuals affected with hereditary cancer in the literature. This variant has been identified in 2/251344 chromosomes in the general population by the Genome Aggregation Database (gnomAD). The available evidence is insufficient to determine the role of this variant in disease conclusively. Therefore, this variant is classified as a Variant of Uncertain Significance.

PreventionGenetics, part of Exact Sciences
Classification: Uncertain significance. Last evaluated: 2017-12-14. Review status: criteria provided, single submitter. Criteria: ACMG Guidelines, 2015. Collection method: clinical testing. Allele origin: germline.

Counsyl
Classification: Uncertain significance for Familial cancer of breast. Last evaluated: 2018-02-20. Review status: no assertion criteria provided. Collection method: clinical testing. Allele origin: unknown. Not counted in ClinVar's aggregate classification.

NM_024675.4(PALB2):c.1079A>G (p.Asp360Gly)

Gene: PALB2 (partner and localizer of BRCA2; minus strand). Cytogenetic location: 16p12.2.
Variant type: single nucleotide variant.
Coding change: c.1079A>G on transcript NM_024675.4 (MANE Select); coding-DNA position 1079, A replaced by G.
Protein change: p.Asp360Gly; replaces aspartic acid 360 with glycine.
Molecular consequence: missense variant.
Genome position (GRCh38, 1-based): chr16:23,635,467, T>C on the plus strand (A>G on the coding strand, the complement: PALB2 is on the minus strand). VCF-style: chr16-23635467-T-C. GRCh37 (hg19) VCF-style: chr16-23646788-T-C.
Other names: short protein forms D360G.
Identifiers: ClinVar variation 232415 (VCV000232415.25), dbSNP rs876659751, ClinGen allele CA10580022.